The following is an entry in ClinVar:

NM_002474.3(MYH11):c.2281T>C (p.Tyr761His)

Gene: MYH11 (myosin heavy chain 11; minus strand). Cytogenetic location: 16p13.11.
Variant type: single nucleotide variant.
Coding change: c.2281T>C on transcript NM_002474.3 (MANE Select); coding-DNA position 2281, T replaced by C.
Protein change: p.Tyr761His; replaces tyrosine 761 with histidine.
Molecular consequence: missense variant.
Genome position (GRCh38, 1-based): chr16:15,747,700, A>G on the plus strand (T>C on the coding strand, the complement: MYH11 is on the minus strand). VCF-style: chr16-15747700-A-G. GRCh37 (hg19) VCF-style: chr16-15841557-A-G.
Other names: c.2302T>C, p.Tyr768His (NM_001040113.2, NM_001040114.2); c.2281T>C, p.Tyr761His (NM_022844.3); c.2281T>C (NM_002474.2); short protein forms Y761H, Y768H.
Identifiers: ClinVar variation 919647 (VCV000919647.6), dbSNP rs935729628, ClinGen allele CA278636644.

ClinVar aggregate classification (germline): Uncertain significance. Review status: criteria provided, multiple submitters, no conflicts (2 of 4 stars). 2 submissions from 2 submitters: Uncertain significance (2). Last evaluated 2024-03-06.

Conditions:
Familial thoracic aortic aneurysm and aortic dissection (TAAD). Also called: Thoracic aortic aneurysms and dissections. Identifiers: Orphanet 91387, MedGen C4707243, MONDO:0019625.

Allele frequency attached by ClinVar (database versions not stated): TOPMed 0.00001.
gnomAD v4.1: 5 of 1,614,002 alleles (0.00031%); highest among the groups gnomAD compares: Non-Finnish European, 0.00034%; no homozygotes.

Submissions (2):

Color Diagnostics, LLC DBA Color Health
Classification: Uncertain significance for Familial thoracic aortic aneurysm and aortic dissection. Last evaluated: 2024-03-06. Review status: criteria provided, single submitter. Criteria: ACMG Guidelines, 2015. Collection method: clinical testing. Allele origin: germline.
Comment: This missense variant replaces tyrosine with histidine at codon 768 of the MYH11 protein. Computational prediction suggests that this variant may have deleterious impact on protein structure and function (internally defined REVEL score threshold >= 0.7, PMID: 27666373). To our knowledge, functional studies have not been reported for this variant. This variant has not been reported in individuals affected with cardiovascular disorders in the literature. This variant has not been identified in the general population by the Genome Aggregation Database (gnomAD). The available evidence is insufficient to determine the role of this variant in disease conclusively. Therefore, this variant is classified as a Variant of Uncertain Significance.

Ambry Genetics
Classification: Uncertain significance for Familial thoracic aortic aneurysm and aortic dissection. Last evaluated: 2023-03-31. Review status: criteria provided, single submitter. Criteria: Ambry Variant Classification Scheme 2023. Collection method: clinical testing. Allele origin: germline.
Comment: The p.Y761H variant (also known as c.2281T>C), located in coding exon 18 of the MYH11 gene, results from a T to C substitution at nucleotide position 2281. The tyrosine at codon 761 is replaced by histidine, an amino acid with similar properties. This amino acid position is conserved. In addition, this alteration is predicted to be deleterious by in silico analysis. Since supporting evidence is limited at this time, the clinical significance of this alteration remains unclear.